The following is an entry in ClinVar:

ClinVar aggregate classification (germline): Uncertain significance (1 of 4 stars; one submission).

Conditions:
Glucose-6-phosphate transport defect (GSD1B). Also called: Glycogen Storage Disease Type Ib; GSD Ib. Identifiers: Orphanet 364, Orphanet 79259, MedGen C0268146, MONDO:0009288, OMIM 232220.

Submission:

Labcorp Genetics (formerly Invitae), Labcorp
Classification: Uncertain significance for Glucose-6-phosphate transport defect. Last evaluated: 2025-12-31. Review status: criteria provided, single submitter. Criteria: Invitae Variant Classification Sherloc (09022015). Collection method: clinical testing. Allele origin: germline.
Comment: This sequence change replaces tryptophan, which is neutral and slightly polar, with cysteine, which is neutral and slightly polar, at codon 78 of the SLC37A4 protein (p.Trp78Cys). This variant is not present in population databases (gnomAD no frequency). This variant has not been reported in the literature in individuals affected with SLC37A4-related conditions. Invitae Evidence Modeling of protein sequence and biophysical properties (such as structural, functional, and spatial information, amino acid conservation, physicochemical variation, residue mobility, and thermodynamic stability) has been performed for this missense variant. However, the output from this modeling did not meet the statistical confidence thresholds required to predict the impact of this variant on SLC37A4 protein function. In summary, the available evidence is currently insufficient to determine the role of this variant in disease. Therefore, it has been classified as a Variant of Uncertain Significance.

NM_001164277.2(SLC37A4):c.234G>T (p.Trp78Cys)

Gene: SLC37A4 (solute carrier family 37 member 4; minus strand). Cytogenetic location: 11q23.3.
Variant type: single nucleotide variant.
Coding change: c.234G>T on transcript NM_001164277.2 (MANE Select); coding-DNA position 234, G replaced by T.
Protein change: p.Trp78Cys; replaces tryptophan 78 with cysteine.
Molecular consequence: missense variant.
Genome position (GRCh38, 1-based): chr11:119,028,341, C>A on the plus strand (G>T on the coding strand, the complement: SLC37A4 is on the minus strand). VCF-style: chr11-119028341-C-A. GRCh37 (hg19) VCF-style: chr11-118899051-C-A.
Other names: c.234G>T, p.Trp78Cys (NM_001164278.2, NM_001164280.2, NM_001467.6); c.15G>T, p.Trp5Cys (NM_001164279.2); short protein forms W5C, W78C.
Identifiers: ClinVar variation 4745074 (VCV004745074.1).